The following is an entry in ClinVar:

NM_002890.3(RASA1):c.1796A>C (p.His599Pro)

Genes: CCNH (cyclin H; minus strand), RASA1 (RAS p21 protein activator 1; plus strand). Cytogenetic location: 5q14.3.
Variant type: single nucleotide variant.
Coding change: c.1796A>C on transcript NM_002890.3 (MANE Select); coding-DNA position 1796, A replaced by C.
Protein change: p.His599Pro; replaces histidine 599 with proline.
Molecular consequence: missense variant. On other transcripts: intron variant (1).
Genome position (GRCh38, 1-based): chr5:87,374,182, A>C. VCF-style: chr5-87374182-A-C. GRCh37 (hg19) VCF-style: chr5-86669999-A-C.
Other names: c.1265A>C, p.His422Pro (NM_022650.3); c.933+20862T>G (NM_001364075.2); short protein forms H422P, H599P.
Identifiers: ClinVar variation 1057451 (VCV001057451.9), dbSNP rs2112484763, ClinGen allele CA360373655.

ClinVar aggregate classification (germline): Uncertain significance (1 of 4 stars; one submission).

Conditions:
Capillary malformation-arteriovenous malformation syndrome. Also called: Capillary malformation-arteriovenous malformation. Identifiers: Orphanet 137667, MedGen C1842180, MONDO:0012016.

Submission:

Labcorp Genetics (formerly Invitae), Labcorp
Classification: Uncertain significance for Capillary malformation-arteriovenous malformation syndrome. Last evaluated: 2021-01-16. Review status: criteria provided, single submitter. Criteria: Invitae Variant Classification Sherloc (09022015). Collection method: clinical testing. Allele origin: germline.
Comment: Algorithms developed to predict the effect of missense changes on protein structure and function are either unavailable or do not agree on the potential impact of this missense change (SIFT: "Deleterious"; PolyPhen-2: "Possibly Damaging"; Align-GVGD: "Class C0"). In summary, the available evidence is currently insufficient to determine the role of this variant in disease. Therefore, it has been classified as a Variant of Uncertain Significance. This variant has been observed in individual(s) with clinical features of RASA1-related conditions (Invitae). It has also been observed to segregate with disease in related individuals. This variant is not present in population databases (ExAC no frequency). This sequence change replaces histidine with proline at codon 599 of the RASA1 protein (p.His599Pro). The histidine residue is highly conserved and there is a moderate physicochemical difference between histidine and proline.